The following is an entry in ClinVar:

ClinVar aggregate classification (germline): Benign/Likely benign. Review status: criteria provided, multiple submitters, no conflicts (2 of 4 stars). 3 submissions from 3 submitters: Benign (1); Likely benign (2). Last evaluated 2026-05-01.

Allele frequency attached by ClinVar (database versions not stated): gnomAD exomes 0.00012 and 0.00037; 1000 Genomes Project 30x 0.00016; 1000 Genomes Project 0.00020; gnomAD 0.00159 and 0.00143; TOPMed 0.00170; ESP Exome Variant Server 0.00208; ExAC 0.00049.
gnomAD v4.1: 396 of 1,614,052 alleles (0.025%); highest among the groups gnomAD compares: African/African-American, 0.44%; 1 homozygote.

Submissions (3):

CeGaT Center for Human Genetics Tuebingen
Classification: Likely benign. Last evaluated: 2026-05-01. Review status: criteria provided, single submitter. Criteria: CeGaT Center For Human Genetics Tuebingen Variant Classification Criteria Version 2. Collection method: clinical testing. Allele origin: germline. Affected: yes. Observed: 1 variant allele.
Comment: NFKB1: BP4, BP7

Labcorp Genetics (formerly Invitae), Labcorp
Classification: Benign. Last evaluated: 2026-01-27. Review status: criteria provided, single submitter. Criteria: Invitae Variant Classification Sherloc (09022015). Collection method: clinical testing. Allele origin: germline.

Blueprint Genetics
Classification: Likely benign. Last evaluated: 2024-11-14. Review status: criteria provided, single submitter. Criteria: ACMG Guidelines, 2015. Collection method: clinical testing. Allele origin: germline.

NM_003998.4(NFKB1):c.2778C>T (p.Cys926=)

Gene: NFKB1 (nuclear factor kappa B subunit 1; plus strand). Cytogenetic location: 4q24.
Variant type: single nucleotide variant.
Coding change: c.2778C>T on transcript NM_003998.4 (MANE Select); coding-DNA position 2778, C replaced by T.
Protein change: p.Cys926=; no amino-acid change (cysteine 926 retained).
Molecular consequence: synonymous variant.
Genome position (GRCh38, 1-based): chr4:102,616,462, C>T. VCF-style: chr4-102616462-C-T. GRCh37 (hg19) VCF-style: chr4-103537619-C-T.
Other names: c.2775C>T, p.Cys925= (NM_001165412.2, NM_001319226.2, NM_001382627.1); c.2778C>T, p.Cys926= (NM_001382625.1, NM_001382626.1); c.2736C>T, p.Cys912= (NM_001382628.1).
Identifiers: ClinVar variation 1165064 (VCV001165064.10), dbSNP rs41452949, ClinGen allele CA3026537.
Genomic context (GRCh38, chr4:102,616,462, plus strand): 5'-TCCCCCAGTGAATTTGTGCTTTCTCCCCTCAGACGAGCTCCGAGACAGTGACAGTGTCTG[C>T]GACAGCGGCGTGGAGACATCCTTCCGCAAACTCAGCTTTACCGAGTCTCTGACCAGTGGT-3'
Protein context (NP_003989.2, residues 916-936): IDELRDSDSV[Cys926=]DSGVETSFRK